The following is an entry in ClinVar:

ClinVar aggregate classification (germline): Uncertain significance. Review status: criteria provided, multiple submitters, no conflicts (2 of 4 stars). 2 submissions from 2 submitters: Uncertain significance (2). Last evaluated 2025-06-04.

Conditions:
Facioscapulohumeral muscular dystrophy 2 (FSHD2). Also called: MUSCULAR DYSTROPHY, FACIOSCAPULOHUMERAL, TYPE 1B; FACIOSCAPULOHUMERAL MUSCULAR DYSTROPHY 2, DIGENIC; FSHD2, DIGENIC. Identifiers: Orphanet 269, MedGen C1834671, MONDO:0008031, OMIM 158901.

Allele frequency attached by ClinVar (database versions not stated): gnomAD exomes 0.00001 and 0.00002; TOPMed 0.00001; ExAC 0.00003.
gnomAD v4.1: 19 of 1,539,682 alleles (0.0012%); highest among the groups gnomAD compares: Non-Finnish European, 0.0017%; no homozygotes.

Submissions (2):

Labcorp Genetics (formerly Invitae), Labcorp
Classification: Uncertain significance for Facioscapulohumeral muscular dystrophy 2. Last evaluated: 2025-06-04. Review status: criteria provided, single submitter. Criteria: Invitae Variant Classification Sherloc (09022015). Collection method: clinical testing. Allele origin: germline.
Comment: This sequence change affects codon 1427 of the SMCHD1 mRNA. It is a 'silent' change, meaning that it does not change the encoded amino acid sequence of the SMCHD1 protein. It affects a nucleotide within the consensus splice site. This variant is present in population databases (rs757680634, gnomAD 0.003%). This variant has not been reported in the literature in individuals affected with SMCHD1-related conditions. ClinVar contains an entry for this variant (Variation ID: 1402724). Algorithms developed to predict the effect of sequence changes on RNA splicing suggest that this variant is not likely to affect RNA splicing. In summary, the available evidence is currently insufficient to determine the role of this variant in disease. Therefore, it has been classified as a Variant of Uncertain Significance.

Revvity Omics, Revvity
Classification: Uncertain significance. Last evaluated: 2022-08-19. Review status: criteria provided, single submitter. Criteria: ACMG Guidelines, 2015. Collection method: clinical testing. Allele origin: germline.

NM_015295.3(SMCHD1):c.4281T>C (p.Asn1427=)

Gene: SMCHD1 (structural maintenance of chromosomes flexible hinge domain containing 1; plus strand). Cytogenetic location: 18p11.32.
Variant type: single nucleotide variant.
Coding change: c.4281T>C on transcript NM_015295.3 (MANE Select); coding-DNA position 4281, T replaced by C.
Protein change: p.Asn1427=; no amino-acid change (asparagine 1427 retained).
Molecular consequence: synonymous variant.
Genome position (GRCh38, 1-based): chr18:2,751,393, T>C. VCF-style: chr18-2751393-T-C. GRCh37 (hg19) VCF-style: chr18-2751391-T-C.
Other names: c.4281T>C (NM_015295.2).
Identifiers: ClinVar variation 1402724 (VCV001402724.10), dbSNP rs757680634, ClinGen allele CA8871426.